The following is an entry in ClinVar:

ClinVar aggregate classification (germline): Uncertain significance (1 of 4 stars; one submission).

gnomAD v4.1: 13 of 1,609,800 alleles (0.00081%); highest among the groups gnomAD compares: Non-Finnish European, 0.001%; no homozygotes.

Submission:

Labcorp Genetics (formerly Invitae), Labcorp
Classification: Uncertain significance. Last evaluated: 2025-12-27. Review status: criteria provided, single submitter. Criteria: Invitae Variant Classification Sherloc (09022015). Collection method: clinical testing. Allele origin: germline.
Comment: This sequence change replaces proline, which is neutral and non-polar, with leucine, which is neutral and non-polar, at codon 108 of the ANXA11 protein (p.Pro108Leu). This variant is not present in population databases (gnomAD no frequency). This variant has not been reported in the literature in individuals affected with ANXA11-related conditions. Experimental studies and prediction algorithms are not available or were not evaluated, and the functional significance of this variant is currently unknown. In summary, the available evidence is currently insufficient to determine the role of this variant in disease. Therefore, it has been classified as a Variant of Uncertain Significance.

NM_145868.2(ANXA11):c.323C>T (p.Pro108Leu)

Genes: ANXA11 (annexin A11; minus strand), LOC130004184 (ATAC-STARR-seq lymphoblastoid silent region 2543; plus strand). Cytogenetic location: 10q22.3.
Variant type: single nucleotide variant.
Coding change: c.323C>T on transcript NM_145868.2 (MANE Select); coding-DNA position 323, C replaced by T.
Protein change: p.Pro108Leu; replaces proline 108 with leucine.
Molecular consequence: missense variant.
Genome position (GRCh38, 1-based): chr10:80,169,207, G>A on the plus strand (C>T on the coding strand, the complement: ANXA11 is on the minus strand). VCF-style: chr10-80169207-G-A. GRCh37 (hg19) VCF-style: chr10-81928963-G-A.
Other names: c.323C>T, p.Pro108Leu (NM_001157.3, NM_001278407.2, NM_001278408.2 and 1 more transcripts); c.224C>T, p.Pro75Leu (NM_001278409.2); short protein forms P108L, P75L.
Identifiers: ClinVar variation 4778362 (VCV004778362.1).